The following is an entry in ClinVar:

ClinVar aggregate classification (germline): Likely benign. Review status: criteria provided, single submitter (1 of 4 stars). 2 submissions from 2 submitters: Likely benign (1). 1 of the submissions does not count toward it. Last evaluated 2024-06-08.

Conditions:
BICD2-related disorder. Also called: BICD2-related condition.
Autosomal dominant childhood-onset proximal spinal muscular atrophy with contractures (SMALED2A). Also called: SPINAL MUSCULAR ATROPHY, LOWER EXTREMITY-PREDOMINANT, 2A, CHILDHOOD ONSET, AUTOSOMAL DOMINANT; Spinal muscular atrophy, lower extremity-predominant, 2A, autosomal dominant. Identifiers: Orphanet 363447, Orphanet 363454, MedGen C4747715, MONDO:0014121, OMIM 615290.

gnomAD v4.1: 11 of 1,610,446 alleles (0.00068%); highest among the groups gnomAD compares: Admixed American, 0.0083%; no homozygotes.

Submissions (2):

Labcorp Genetics (formerly Invitae), Labcorp
Classification: Likely benign for Autosomal dominant childhood-onset proximal spinal muscular atrophy with contractures. Last evaluated: 2024-06-08. Review status: criteria provided, single submitter. Criteria: Invitae Variant Classification Sherloc (09022015). Collection method: clinical testing. Allele origin: germline.

PreventionGenetics, part of Exact Sciences
Classification: Likely benign for BICD2-related condition. Last evaluated: 2019-04-09. Review status: no assertion criteria provided. Collection method: clinical testing. Allele origin: germline. Not counted in ClinVar's aggregate classification.
Comment: This variant is classified as likely benign based on ACMG/AMP sequence variant interpretation guidelines (Richards et al. 2015 PMID: 25741868, with internal and published modifications).

NM_001003800.2(BICD2):c.1674C>A (p.Arg558=)

Gene: BICD2 (BICD cargo adaptor 2; minus strand). Cytogenetic location: 9q22.31.
Variant type: single nucleotide variant.
Coding change: c.1674C>A on transcript NM_001003800.2 (MANE Select); coding-DNA position 1674, C replaced by A.
Protein change: p.Arg558=; no amino-acid change (arginine 558 retained).
Molecular consequence: synonymous variant.
Genome position (GRCh38, 1-based): chr9:92,718,971, G>T on the plus strand (C>A on the coding strand, the complement: BICD2 is on the minus strand). VCF-style: chr9-92718971-G-T. GRCh37 (hg19) VCF-style: chr9-95481253-G-T.
Other names: c.1674C>A, p.Arg558= (NM_015250.4); c.1674C>A (NM_001003800.1).
Identifiers: ClinVar variation 1542370 (VCV001542370.10), dbSNP rs35535468, ClinGen allele CA5126518.